The following is an entry in ClinVar:

ClinVar aggregate classification (germline): Uncertain significance. Review status: criteria provided, multiple submitters, no conflicts (2 of 4 stars). 2 submissions from 2 submitters: Uncertain significance (2). Last evaluated 2024-07-24.

Conditions:
Nephronophthisis 9 (NPHP9). Identifiers: Orphanet 655, MedGen C3151188, MONDO:0013444, OMIM 613824.
Polycystic kidney disease 8. Identifiers: MedGen C5935640, MONDO:0971178, OMIM 620903.
Renal-hepatic-pancreatic dysplasia 2 (RHPD2). Identifiers: MedGen C3809434, MONDO:0014174, OMIM 615415.

Allele frequency attached by ClinVar (database versions not stated): gnomAD 0.00001; ExAC 0.00002; gnomAD exomes 0.00002 and 0.00003; TOPMed 0.00003.

Submissions (2):

Labcorp Genetics (formerly Invitae), Labcorp
Classification: Uncertain significance for Nephronophthisis 9. Last evaluated: 2024-07-24. Review status: criteria provided, single submitter. Criteria: Invitae Variant Classification Sherloc (09022015). Collection method: clinical testing. Allele origin: germline.
Comment: This sequence change disrupts the translational stop signal of the NEK8 mRNA. It is expected to extend the length of the NEK8 protein by 10 additional amino acid residues. This variant is present in population databases (rs746234904, gnomAD 0.01%). This variant has not been reported in the literature in individuals affected with NEK8-related conditions. ClinVar contains an entry for this variant (Variation ID: 1004174). Experimental studies and prediction algorithms are not available or were not evaluated, and the functional significance of this variant is currently unknown. In summary, the available evidence is currently insufficient to determine the role of this variant in disease. Therefore, it has been classified as a Variant of Uncertain Significance.

Fulgent Genetics
Classification: Uncertain significance for Nephronophthisis 9; Renal-hepatic-pancreatic dysplasia 2; Polycystic kidney disease 8. Last evaluated: 2023-12-21. Review status: criteria provided, single submitter. Criteria: ACMG Guidelines, 2015. Collection method: clinical testing. Allele origin: germline.

NM_178170.3(NEK8):c.2077del (p.Ter693GluextTer?)

Gene: NEK8 (NIMA related kinase 8; plus strand). Cytogenetic location: 17q11.2.
Variant type: Deletion.
Coding change: c.2077del on transcript NM_178170.3 (MANE Select); coding-DNA position 2077, one base deleted (T; older notation c.2077delT).
Protein change: p.Ter693GluextTer?.
Molecular consequence: frameshift variant, stop lost.
Genome position (GRCh38, 1-based): chr17:28,741,985, T deleted. VCF-style (leftmost placement, unchanged base first): chr17-28741984-CT-C. GRCh37 (hg19) VCF-style: chr17-27069002-CT-C.
Identifiers: ClinVar variation 1004174 (VCV001004174.7), dbSNP rs746234904, ClinGen allele CA8467662.
Genomic context (GRCh38, chr17:28,741,984, plus strand): 5'-AGAAGCTGCAAGGGTTTCTCTTCGGTACCCTCCAGCGGTCACAGATGAGCCGGTCCCCCC[CT>C]GAGGCACCCGGATTCACCTCTGGACCACCCTGATATTGCTTCTCCTCTGAATGCTCTGAA-3'